The following is an entry in ClinVar:

NM_000152.5(GAA):c.452C>T (p.Thr151Ile)

Gene: GAA (alpha glucosidase; plus strand). Cytogenetic location: 17q25.3.
Variant type: single nucleotide variant.
Coding change: c.452C>T on transcript NM_000152.5 (MANE Select); coding-DNA position 452, C replaced by T.
Protein change: p.Thr151Ile; replaces threonine 151 with isoleucine.
Molecular consequence: missense variant.
Genome position (GRCh38, 1-based): chr17:80,105,038, C>T. VCF-style: chr17-80105038-C-T. GRCh37 (hg19) VCF-style: chr17-78078837-C-T.
Other names: c.452C>T (LRG_673t1); c.452C>T, p.Thr151Ile (NM_001079803.3, NM_001079804.3); short protein forms T151I.
Identifiers: ClinVar variation 565797 (VCV000565797.6), dbSNP rs1567826289, ClinGen allele CA401361472.

ClinVar aggregate classification (germline): Uncertain significance (1 of 4 stars; one submission).

Conditions:
Glycogen storage disease, type II (IOPD). Also called: Pompe Disease; POMPE DISEASE, INFANTILE-ONSET; GLYCOGEN STORAGE DISEASE II, INFANTILE-ONSET; ACID ALPHA-GLUCOSIDASE DEFICIENCY, INFANTILE-ONSET; GAA DEFICIENCY, INFANTILE-ONSET; ACID MALTASE DEFICIENCY, INFANTILE-ONSET. Identifiers: Orphanet 365, MedGen C0017921, MONDO:0009290, OMIM 232300.

Allele frequency attached by ClinVar (database versions not stated): gnomAD exomes below 0.00001.
gnomAD v4.1: 1 of 1,612,980 alleles (0.000062%); highest among the groups gnomAD compares: Non-Finnish European, 0.000085%; no homozygotes.

Submission:

Labcorp Genetics (formerly Invitae), Labcorp
Classification: Uncertain significance for Glycogen storage disease, type II. Last evaluated: 2022-05-18. Review status: criteria provided, single submitter. Criteria: Invitae Variant Classification Sherloc (09022015). Collection method: clinical testing. Allele origin: germline.
Comment: This sequence change replaces threonine, which is neutral and polar, with isoleucine, which is neutral and non-polar, at codon 151 of the GAA protein (p.Thr151Ile). This variant is not present in population databases (gnomAD no frequency). This variant has not been reported in the literature in individuals affected with GAA-related conditions. ClinVar contains an entry for this variant (Variation ID: 565797). Advanced modeling of protein sequence and biophysical properties (such as structural, functional, and spatial information, amino acid conservation, physicochemical variation, residue mobility, and thermodynamic stability) performed at Invitae indicates that this missense variant is not expected to disrupt GAA protein function. In summary, the available evidence is currently insufficient to determine the role of this variant in disease. Therefore, it has been classified as a Variant of Uncertain Significance.